The following is an entry in ClinVar:

ClinVar aggregate classification (germline): Pathogenic (1 of 4 stars; one submission).

Conditions:
Ulnar-mammary syndrome (UMS). Also called: SCHINZEL SYNDROME; Ulnar-mammary syndrome of Pallister; PALLISTER ULNAR-MAMMARY SYNDROME. Identifiers: Orphanet 3138, MedGen C1866994, MONDO:0008411, OMIM 181450.

Submission:

Labcorp Genetics (formerly Invitae), Labcorp
Classification: Pathogenic for Ulnar-mammary syndrome. Last evaluated: 2024-05-12. Review status: criteria provided, single submitter. Criteria: Invitae Variant Classification Sherloc (09022015). Collection method: clinical testing. Allele origin: germline.
Comment: This sequence change creates a premature translational stop signal (p.Trp170*) in the TBX3 gene. It is expected to result in an absent or disrupted protein product. Loss-of-function variants in TBX3 are known to be pathogenic (PMID: 12668170, 16896345). This variant is not present in population databases (gnomAD no frequency). This variant has not been reported in the literature in individuals affected with TBX3-related conditions. For these reasons, this variant has been classified as Pathogenic.

Literature cited by the submitters: PubMed 12668170; PubMed 16896345.

NM_005996.4(TBX3):c.510G>A (p.Trp170Ter)

Gene: TBX3 (T-box transcription factor 3; minus strand). Cytogenetic location: 12q24.21.
Variant type: single nucleotide variant.
Coding change: c.510G>A on transcript NM_005996.4 (MANE Select); coding-DNA position 510, G replaced by A.
Protein change: p.Trp170Ter; replaces tryptophan 170 with a stop codon.
Molecular consequence: nonsense.
Genome position (GRCh38, 1-based): chr12:114,681,026, C>T on the plus strand (G>A on the coding strand, the complement: TBX3 is on the minus strand). VCF-style: chr12-114681026-C-T. GRCh37 (hg19) VCF-style: chr12-115118831-C-T.
Other names: c.510G>A, p.Trp170Ter (NM_016569.4); short protein forms W170*.
Identifiers: ClinVar variation 3653115 (VCV003653115.2).
Genomic context (GRCh38, chr12:114,681,026, plus strand): 5'-GCTGTCCGGGTGAATGTACATCCTCTTTGGCATTTCGGGGTCGGCCTTACCAGCCACCAT[C>T]CACCGAGAATTGTGAAATTTATAACGACAGTCATCAGCAGCTATAATGTCCATCAATAAA-3'